The following is an entry in ClinVar:

NM_001136271.3(NKX2-6):c.895A>G (p.Arg299Gly)

Gene: NKX2-6 (NK2 homeobox 6; minus strand). Cytogenetic location: 8p21.2.
Variant type: single nucleotide variant.
Coding change: c.895A>G on transcript NM_001136271.3 (MANE Select); coding-DNA position 895, A replaced by G.
Protein change: p.Arg299Gly; replaces arginine 299 with glycine.
Molecular consequence: missense variant.
Genome position (GRCh38, 1-based): chr8:23,702,462, T>C on the plus strand (A>G on the coding strand, the complement: NKX2-6 is on the minus strand). VCF-style: chr8-23702462-T-C. GRCh37 (hg19) VCF-style: chr8-23559975-T-C.
Other names: short protein forms R299G.
Identifiers: ClinVar variation 653156 (VCV000653156.7), dbSNP rs564297816, ClinGen allele CA4677940.

ClinVar aggregate classification (germline): Uncertain significance. Review status: criteria provided, multiple submitters, no conflicts (2 of 4 stars). 2 submissions from 2 submitters: Uncertain significance (2). Last evaluated 2025-03-16.

Conditions:
Conotruncal heart malformations (CTHM). Also called: Conotruncal heart malformations, variable. Identifiers: Orphanet 2445, Orphanet 3384, Orphanet 3426, MedGen C1857586, MONDO:0016581, OMIM 217095.

Allele frequency attached by ClinVar (database versions not stated): TOPMed 0.00025; gnomAD 0.00029 and 0.00030; gnomAD exomes 0.00033; 1000 Genomes Project 0.00040; 1000 Genomes Project 30x 0.00047; ExAC 0.00064.
gnomAD v4.1: 449 of 1,478,314 alleles (0.03%); highest among the groups gnomAD compares: Middle Eastern, 0.34%; no homozygotes.

Submissions (2):

Labcorp Genetics (formerly Invitae), Labcorp
Classification: Uncertain significance for Conotruncal heart malformations. Last evaluated: 2025-03-16. Review status: criteria provided, single submitter. Criteria: Invitae Variant Classification Sherloc (09022015). Collection method: clinical testing. Allele origin: germline.
Comment: This sequence change replaces arginine, which is basic and polar, with glycine, which is neutral and non-polar, at codon 299 of the NKX2-6 protein (p.Arg299Gly). This variant is present in population databases (rs564297816, gnomAD 0.06%), and has an allele count higher than expected for a pathogenic variant. This variant has not been reported in the literature in individuals affected with NKX2-6-related conditions. ClinVar contains an entry for this variant (Variation ID: 653156). An algorithm developed to predict the effect of missense changes on protein structure and function (PolyPhen-2) suggests that this variant is likely to be tolerated. In summary, the available evidence is currently insufficient to determine the role of this variant in disease. Therefore, it has been classified as a Variant of Uncertain Significance.

Breakthrough Genomics
Classification: Uncertain significance. Review status: criteria provided, single submitter. Criteria: ACMG Guidelines, 2015. Collection method: not provided. Allele origin: germline. Inheritance: Autosomal recessive inheritance. Affected: yes.